The following is an entry in ClinVar:

NM_001710.6(CFB):c.413G>A (p.Arg138Gln)

Gene: CFB (complement factor B; plus strand). Cytogenetic location: 6p21.33.
Variant type: single nucleotide variant.
Coding change: c.413G>A on transcript NM_001710.6 (MANE Select); coding-DNA position 413, G replaced by A.
Protein change: p.Arg138Gln; replaces arginine 138 with glutamine.
Molecular consequence: missense variant.
Genome position (GRCh38, 1-based): chr6:31,947,121, G>A. VCF-style: chr6-31947121-G-A. GRCh37 (hg19) VCF-style: chr6-31914898-G-A.
Other names: c.413G>A (NM_001710.5); short protein forms R138Q.
Identifiers: ClinVar variation 1347181 (VCV001347181.8), dbSNP rs185367862, ClinGen allele CA136893798.
Genomic context (GRCh38, chr6:31,947,121, plus strand): 5'-CTCCCTACTACAATGTGAGTGATGAGATCTCTTTCCACTGCTATGACGGTTACACTCTCC[G>A]GGGCTCTGCCAATCGCACCTGCCAAGTGAATGGCCGATGGAGTGGGCAGACAGCGATCTG-3'
Protein context (NP_001701.2, residues 128-148): SFHCYDGYTL[Arg138Gln]GSANRTCQVN

ClinVar aggregate classification (germline): Uncertain significance. Review status: criteria provided, multiple submitters, no conflicts (2 of 4 stars). 3 submissions from 3 submitters: Uncertain significance (2). 1 of the submissions does not count toward it. Last evaluated 2026-09-17.

Conditions:
CFB-related disorder. Also called: CFB-related disorders; CFB-related condition.
Atypical hemolytic-uremic syndrome. Identifiers: Orphanet 2134, MedGen C2931788, MONDO:0016244.

Allele frequency attached by ClinVar (database versions not stated): gnomAD exomes below 0.00001; gnomAD 0.00001; 1000 Genomes Project 30x 0.00016.
gnomAD v4.1: 4 of 1,612,970 alleles (0.00025%); highest among the groups gnomAD compares: Admixed American, 0.0017%; no homozygotes.

Submissions (3):

Genomenon, Inc
Classification: Uncertain significance for Atypical hemolytic-uremic syndrome. Last evaluated: 2026-09-17. Review status: criteria provided, single submitter. Criteria: Genomenon Sequence Variant Interpretation Standards - Updated. Collection method: curation. Allele origin: germline. Affected: no.
Comment: CFB p.Arg138Gln (c.413G>A) is a missense variant that changes the amino acid at codon 138 from Arginine to Glutamine. This variant has been reported in the published literature (PMID:24652797). It is absent or not present at a significant frequency in gnomAD. In silico models predict that this variant is possibly or probably damaging. In conclusion, we classify CFB p.Arg138Gln (c.413G>A) as a variant of uncertain significance.

Labcorp Genetics (formerly Invitae), Labcorp
Classification: Uncertain significance. Last evaluated: 2025-09-02. Review status: criteria provided, single submitter. Criteria: Invitae Variant Classification Sherloc (09022015). Collection method: clinical testing. Allele origin: germline.
Comment: This sequence change replaces arginine, which is basic and polar, with glutamine, which is neutral and polar, at codon 138 of the CFB protein (p.Arg138Gln). This variant is not present in population databases (gnomAD no frequency). This variant has not been reported in the literature in individuals affected with CFB-related conditions. ClinVar contains an entry for this variant (Variation ID: 1347181). Invitae Evidence Modeling of protein sequence and biophysical properties (such as structural, functional, and spatial information, amino acid conservation, physicochemical variation, residue mobility, and thermodynamic stability) indicates that this missense variant is not expected to disrupt CFB protein function with a negative predictive value of 80%. Algorithms developed to predict the effect of sequence changes on RNA splicing suggest that this variant may create or strengthen a splice site. In summary, the available evidence is currently insufficient to determine the role of this variant in disease. Therefore, it has been classified as a Variant of Uncertain Significance.

PreventionGenetics, part of Exact Sciences
Classification: Uncertain significance for CFB-related condition. Last evaluated: 2024-03-18. Review status: no assertion criteria provided. Collection method: clinical testing. Allele origin: germline. Not counted in ClinVar's aggregate classification.
Comment: The CFB c.413G>A variant is predicted to result in the amino acid substitution p.Arg138Gln. To our knowledge, this variant has not been reported in the literature or in a large population database, indicating this variant is rare. At this time, the clinical significance of this variant is uncertain due to the absence of conclusive functional and genetic evidence.

Literature cited by the submitters: PubMed 24652797 (cited by Genomenon, Inc).